The following is an entry in ClinVar:

NM_001290321.3(DMXL1):c.8261G>A (p.Gly2754Asp)

Gene: DMXL1 (Dmx like 1; plus strand). Cytogenetic location: 5q23.1.
Variant type: single nucleotide variant.
Coding change: c.8261G>A on transcript NM_001290321.3 (MANE Select); coding-DNA position 8261, G replaced by A.
Protein change: p.Gly2754Asp; replaces glycine 2754 with aspartic acid.
Molecular consequence: missense variant. On other transcripts: non-coding transcript variant (3).
Genome position (GRCh38, 1-based): chr5:119,221,065, G>A. VCF-style: chr5-119221065-G-A. GRCh37 (hg19) VCF-style: chr5-118556760-G-A.
Other names: c.8261G>A (NM_001290321.2); c.8261G>A, p.Gly2754Asp (NM_001349239.2); c.8198G>A, p.Gly2733Asp (NM_001349240.2, NM_001387933.1, NM_005509.6); c.8006G>A, p.Gly2669Asp (NM_001387934.1); c.7493G>A, p.Gly2498Asp (NM_001387937.1); c.7274G>A, p.Gly2425Asp (NM_001387938.1); c.8198G>A (NM_005509.4); short protein forms G2733D, G2754D, G2425D, G2498D, G2669D.
Identifiers: ClinVar variation 713892 (VCV000713892.19), dbSNP rs140340763, ClinGen allele CA3381140.

ClinVar aggregate classification (germline): Conflicting classifications of pathogenicity. Review status: criteria provided, conflicting classifications (1 of 4 stars). 4 submissions from 4 submitters: Uncertain significance (1); Likely benign (2). 1 of the submissions does not count toward it. Last evaluated 2025-08-13.

Conditions:
DMXL1-related disorder. Also called: DMXL1-related condition.

Allele frequency attached by ClinVar (database versions not stated): 1000 Genomes Project 30x 0.00031; 1000 Genomes Project 0.00040; gnomAD exomes 0.00151; gnomAD 0.00155 and 0.00161; TOPMed 0.00155; ExAC 0.00171; ESP Exome Variant Server 0.00215.
gnomAD v4.1: 4,083 of 1,611,176 alleles (0.25%); highest among the groups gnomAD compares: Non-Finnish European, 0.32%; 7 homozygotes.

Submissions (4):

Ambry Genetics
Classification: Uncertain significance. Last evaluated: 2025-08-13. Review status: criteria provided, single submitter. Criteria: Ambry Variant Classification Scheme 2023. Collection method: clinical testing. Allele origin: germline.

CeGaT Center for Human Genetics Tuebingen
Classification: Likely benign. Last evaluated: 2025-02-01. Review status: criteria provided, single submitter. Criteria: CeGaT Center For Human Genetics Tuebingen Variant Classification Criteria Version 2. Collection method: clinical testing. Allele origin: germline. Affected: yes. Observed: 1 variant allele.
Comment: DMXL1: BS2

Labcorp Genetics (formerly Invitae), Labcorp
Classification: Likely benign. Last evaluated: 2018-07-02. Review status: criteria provided, single submitter. Criteria: Invitae Variant Classification Sherloc (09022015). Collection method: clinical testing. Allele origin: germline.

PreventionGenetics, part of Exact Sciences
Classification: Likely benign for DMXL1-related condition. Last evaluated: 2019-08-28. Review status: no assertion criteria provided. Collection method: clinical testing. Allele origin: germline. Not counted in ClinVar's aggregate classification.
Comment: This variant is classified as likely benign based on ACMG/AMP sequence variant interpretation guidelines (Richards et al. 2015 PMID: 25741868, with internal and published modifications).